The following is an entry in ClinVar:

NM_030662.4(MAP2K2):c.361G>A (p.Val121Ile)

Gene: MAP2K2 (mitogen-activated protein kinase kinase 2; minus strand). Cytogenetic location: 19p13.3.
Variant type: single nucleotide variant.
Coding change: c.361G>A on transcript NM_030662.4 (MANE Select); coding-DNA position 361, G replaced by A.
Protein change: p.Val121Ile; replaces valine 121 with isoleucine.
Molecular consequence: missense variant.
Genome position (GRCh38, 1-based): chr19:4,110,598, C>T on the plus strand (G>A on the coding strand, the complement: MAP2K2 is on the minus strand). VCF-style: chr19-4110598-C-T. GRCh37 (hg19) VCF-style: chr19-4110596-C-T.
Other names: c.361G>A, p.Val121Ile (NM_001440688.1); short protein forms V121I.
Identifiers: ClinVar variation 4802528 (VCV004802528.1).

ClinVar aggregate classification (germline): Uncertain significance (1 of 4 stars; one submission).

Conditions:
RASopathy. Also called: rasopathies; Noonan spectrum disorder. Identifiers: Orphanet 536391, MedGen C5555857, MONDO:0021060.

Submission:

Labcorp Genetics (formerly Invitae), Labcorp
Classification: Uncertain significance for RASopathy. Last evaluated: 2025-07-24. Review status: criteria provided, single submitter. Criteria: Invitae Variant Classification Sherloc (09022015). Collection method: clinical testing. Allele origin: germline.
Comment: This sequence change replaces valine, which is neutral and non-polar, with isoleucine, which is neutral and non-polar, at codon 121 of the MAP2K2 protein (p.Val121Ile). This variant is not present in population databases (gnomAD no frequency). This variant has not been reported in the literature in individuals affected with MAP2K2-related conditions. Invitae Evidence Modeling of protein sequence and biophysical properties (such as structural, functional, and spatial information, amino acid conservation, physicochemical variation, residue mobility, and thermodynamic stability) indicates that this missense variant is not expected to disrupt MAP2K2 protein function with a negative predictive value of 95%. In summary, the available evidence is currently insufficient to determine the role of this variant in disease. Therefore, it has been classified as a Variant of Uncertain Significance.